The following continues an entry in ClinVar:

NM_000094.4(COL7A1):c.6205C>T (p.Arg2069Cys)

Gene: COL7A1. ClinVar aggregate classification (germline): Pathogenic/Likely pathogenic. Pathogenic (14); Likely pathogenic (2).

Submissions 9 to 18 of 18:

Fulgent Genetics
Classification: Likely pathogenic for Transient bullous dermolysis of the newborn; Generalized dominant dystrophic epidermolysis bullosa; Pretibial dystrophic epidermolysis bullosa; Dominant dystrophic epidermolysis bullosa with absence of skin; Recessive dystrophic epidermolysis bullosa; Epidermolysis bullosa pruriginosa; Nonsyndromic congenital nail disorder 8. Last evaluated: 2021-11-11. Review status: criteria provided, single submitter. Criteria: ACMG Guidelines, 2015. Collection method: clinical testing. Allele origin: unknown.

Centre for Mendelian Genomics, University Medical Centre Ljubljana
Classification: Pathogenic for Abnormal blistering of the skin. Last evaluated: 2017-01-01. Review status: criteria provided, single submitter. Criteria: ACMG Guidelines, 2015. Collection method: clinical testing. Allele origin: unknown. Affected: yes. Observed: 2 variant alleles.

Biomedical Innovation Departament, CIEMAT
Classification: Pathogenic for Dystrophic epidermolysis bullosa. Last evaluated: 2016-01-07. Review status: criteria provided, single submitter. Criteria: ACMG Guidelines, 2015. Collection method: research. Allele origin: germline. Affected: yes. Observed: 1 variant allele.

Centre for Mendelian Genomics, University Medical Centre Ljubljana
Classification: Pathogenic for Epidermolysis bullosa pruriginosa. Last evaluated: 2016-01-01. Review status: criteria provided, single submitter. Criteria: ACMG Guidelines, 2015. Collection method: clinical testing. Allele origin: unknown. Affected: yes.
Comment: This variant was classified as: Pathogenic. The following ACMG criteria were applied in classifying this variant: PS1,PM2,PM3,PP1-M,PP4.

Centre for Mendelian Genomics, University Medical Centre Ljubljana
Classification: Pathogenic for Abnormal blistering of the skin; Abnormal dental enamel morphology; Abnormality of the dentition; Alopecia of scalp; Decreased body weight; Distal muscle weakness; EMG abnormality; Failure to thrive; Hyperpigmentation of the skin; Microcephaly; Nail dystrophy; Scarring; Scarring alopecia of scalp; Short stature. Last evaluated: 2015-05-07. Review status: criteria provided, single submitter. Criteria: ACMG Guidelines, 2015. Collection method: clinical testing. Allele origin: unknown. Affected: yes.

CENTOGENE GmbH and LLC - Guiding Precision Medicine
Classification: Pathogenic for Generalized dominant dystrophic epidermolysis bullosa. Review status: criteria provided, single submitter. Criteria: ACMG Guidelines, 2015. Collection method: clinical testing. Allele origin: germline. Affected: yes.

Juno Genomics, Hangzhou Juno Genomics, Inc
Classification: Pathogenic for Recessive dystrophic epidermolysis bullosa. Review status: criteria provided, single submitter. Criteria: ACMG Guidelines, 2015. Collection method: clinical testing. Allele origin: germline.
Comment: Absent from controls (or at extremely low frequency if recessive) in Genome Aggregation Database.;Missense variant in a gene that has a low rate of benign missense variation.;For recessive disorders, detected in trans with a pathogenic variant.

Neuberg Centre For Genomic Medicine, NCGM
Classification: Pathogenic for Recessive dystrophic epidermolysis bullosa. Review status: criteria provided, single submitter. Criteria: ACMG Guidelines, 2015. Collection method: clinical testing. Allele origin: germline. Inheritance: Autosomal recessive inheritance. Affected: yes.
Comment: The missense variant c.6205C>T (p.Arg2069Cys) in COL7A1 gene has been observed in individual(s) with dystrophic epidermolysis bullosa (Vahidnezhad H et.al.,2017).The p.Arg2069Cys variant is novel (not in any individuals) in 1000 Genomes and allele frequency of 0.00001989% is reported in gnomAD. This variant has been reported to the ClinVar database as Pathogenic. It has also been observed to segregate with disease in related individuals. The amino acid Arg at position 2069 is changed to a Cys changing protein sequence and it might alter its composition and physico-chemical properties. The amino acid change p.Arg2069Cys in COL7A1 is predicted as conserved by GERP++ and PhyloP across 100 vertebrates. For these reasons, this variant has been classified as Pathogenic .

PreventionGenetics, part of Exact Sciences
Classification: Pathogenic for COL7A1-related condition. Last evaluated: 2023-11-21. Review status: no assertion criteria provided. Collection method: clinical testing. Allele origin: germline. Not counted in ClinVar's aggregate classification.
Comment: The COL7A1 c.6205C>T variant is predicted to result in the amino acid substitution p.Arg2069Cys. This variant has been reported in the compound heterozygous or homozygous state in individuals with epidermolysis bullosa dystrophica, and has been shown to segregate with disease within families (Kahofer et al. 2003. PubMed ID: 12787275; Vahidnezhad et al. 2017. PubMed ID: 28830826; Mariath et al. 2019. PubMed ID: 31001817; Ma et al. 2021. PubMed ID: 34286919). This variant is reported in 0.0035% of alleles in individuals of European (Non-Finnish) descent in gnomAD. This variant is interpreted as pathogenic.

OMIM
Classification: Pathogenic for EPIDERMOLYSIS BULLOSA DYSTROPHICA INVERSA, AUTOSOMAL RECESSIVE. Last evaluated: 2003-05-01. Review status: no assertion criteria provided. Collection method: literature only. Allele origin: germline. Not counted in ClinVar's aggregate classification.

Literature cited by the submitters: PubMed 12787275 (cited by 5 submitters); PubMed 22266148 (cited by Labcorp Genetics (formerly Invitae), Labcorp); PubMed 28830826 (cited by Labcorp Genetics (formerly Invitae), Labcorp); PubMed 36287101 (cited by Natera, Inc. and Women's Health and Genetics/Laboratory Corporation of America, LabCorp); PubMed 35979658 (cited by Center for Research in Genodermatoses and Epidermolysis Bullosa, University of Buenos Aires); PubMed 32860008 (cited by CENTOGENE GmbH and LLC - Guiding Precision Medicine).